The following is an entry in ClinVar:

NM_000020.3(ACVRL1):c.1135G>A (p.Glu379Lys)

Gene: ACVRL1 (activin A receptor like type 1; plus strand). Cytogenetic location: 12q13.13.
Variant type: single nucleotide variant.
Coding change: c.1135G>A on transcript NM_000020.3 (MANE Select); coding-DNA position 1135, G replaced by A.
Protein change: p.Glu379Lys; replaces glutamic acid 379 with lysine.
Molecular consequence: missense variant.
Genome position (GRCh38, 1-based): chr12:51,916,122, G>A. VCF-style: chr12-51916122-G-A. GRCh37 (hg19) VCF-style: chr12-52309906-G-A.
Other names: NM_000020.3(ACVRL1):c.1135G>A; c.1135G>A, p.Glu379Lys (NM_001077401.2); short protein forms E379K.
Identifiers: ClinVar variation 429940 (VCV000429940.30), dbSNP rs1131691686, ClinGen allele CA384902497.

ClinVar aggregate classification (germline): Pathogenic/Likely pathogenic. Review status: criteria provided, multiple submitters, no conflicts (2 of 4 stars). 11 submissions from 11 submitters: Pathogenic (7); Likely pathogenic (4). Last evaluated 2026-03-05.

Conditions:
ACVRL1-related disorder. Also called: ACVRL1-related condition; ACVRL1-related disorders.
Hereditary hemorrhagic telangiectasia (HHT). Also called: ORW DISEASE; Osler Weber Rendu syndrome; OSLER-RENDU-WEBER DISEASE; Osler hemorrhagic telangiectasia syndrome. Identifiers: Orphanet 774, MedGen C0039445, MONDO:0019180. Disease mechanism: loss of function.
Cardiovascular phenotype. Identifiers: MedGen CN230736.
Telangiectasia, hereditary hemorrhagic, type 2 (HHT2). Also called: ACVRL1-Related Hereditary Hemorrhagic Telangiectasia; Telangiectasia, hereditary hemorrhagic, type II. Identifiers: Orphanet 774, MedGen C1838163, MONDO:0010880, OMIM 600376. Disease mechanism: loss of function.

Allele frequency attached by ClinVar (database versions not stated): gnomAD exomes below 0.00001 and 0.00001; TOPMed below 0.00001.
gnomAD v4.1: 1 of 1,613,932 alleles (0.000062%); highest among the groups gnomAD compares: South Asian, 0.0011%; no homozygotes.

Submissions (11):

Broad Center for Mendelian Genomics, Broad Institute of MIT and Harvard
Classification: Likely pathogenic for Telangiectasia, hereditary hemorrhagic, type 2. Last evaluated: 2026-03-05. Review status: criteria provided, single submitter. Criteria: ACMG Guidelines, 2015. Collection method: research. Allele origin: germline. Inheritance: Autosomal dominant inheritance. Study: GREGoR Consortium.
Comment: The p.Glu379Lys variant in ACVRLl has been reported in >5 individuals with hereditary hemorrhagic telangiectasia (HHT; Lesca 2004 PMID: 15024723, Kuehl 2005 PMID: 15712270, Lenato 2006 PMID: 16429404). It has also been identified in 0.001% (1/69794) of South Asian chromosomes by gnomAD and has been reported in ClinVar (Variation ID 429940). Computational prediction tools and conservation analyses support that this variant may impact the protein. In vitro functional studies provide some evidence that this variant impacts protein function (Alaa El Din 2015 PMID: 26176610); however, these types of assays may not accurately represent biological function. Additionally, the number of ACVRLl missense variants in the general population is lower than expected (Z=3.18), providing some evidence that this variant may not be tolerated. In summary, although additional studies are required to fully establish its clinical significance, this variant meets criteria to be classified as likely pathogenic for autosomal dominant HHT. ACMG/AMP Criteria applied: PS4, PP2, PP3, PM2_supporting, PS3_supporting.

Labcorp Genetics (formerly Invitae), Labcorp
Classification: Pathogenic for Telangiectasia, hereditary hemorrhagic, type 2. Last evaluated: 2026-02-01. Review status: criteria provided, single submitter. Criteria: Invitae Variant Classification Sherloc (09022015). Collection method: clinical testing. Allele origin: germline.
Comment: This sequence change replaces glutamic acid, which is acidic and polar, with lysine, which is basic and polar, at codon 379 of the ACVRL1 protein (p.Glu379Lys). This variant is present in population databases (no rsID available, gnomAD 0.003%). This missense change has been observed in individuals with hereditary hemorrhagic telangiectasia (PMID: 15024723, 15712270, 16429404, 18498373, 22991266, 24603890). ClinVar contains an entry for this variant (Variation ID: 429940). Invitae Evidence Modeling of protein sequence and biophysical properties (such as structural, functional, and spatial information, amino acid conservation, physicochemical variation, residue mobility, and thermodynamic stability) indicates that this missense variant is expected to disrupt ACVRL1 protein function with a positive predictive value of 95%. Experimental studies have shown that this missense change affects ACVRL1 function (PMID: 26176610). For these reasons, this variant has been classified as Pathogenic.

GeneDx
Classification: Likely pathogenic. Last evaluated: 2026-01-21. Review status: criteria provided, single submitter. Criteria: GeneDx Variant Classification Process June 2021. Collection method: clinical testing. Allele origin: germline. Affected: yes.
Comment: Observed in multiple unrelated patients from different ethnic backgrounds with HHT referred for genetic testing at GeneDx and in published literature (PMID: 16429404, 15712270, 15024723, 18498373, 15521985, 18673552, 17384219, 23535011, 32300199, 32503579, 24603890); Not observed at significant frequency in large population cohorts (gnomAD); Published functional studies suggest that p.(E379K) has a negative impact on ACVRL1 receptor activity and protein maturation (PMID: 26176610); In silico analysis supports that this missense variant has a deleterious effect on protein structure/function; This variant is associated with the following publications: (PMID: 18498373, 15879500, 15266205, 22991266, 18673552, 17384219, 15712270, 15521985, 15024723, 30578397, 32503579, 32300199, 34966542, 23535011, 16429404, 24603890, 26176610)

Genetic Services Laboratory, University of Chicago
Classification: Likely pathogenic. Last evaluated: 2025-08-22. Review status: criteria provided, single submitter. Criteria: ACMG Guidelines, 2015. Collection method: clinical testing. Allele origin: germline.
Comment: The c.1135G>A variant: Results in an amino acid change, p.Glu379Lys. Affects a highly conserved amino acid residue located in a domain of the ACVRL1 protein that is known to be functional. Appears to be deleterious using several in-silico pathogenicity prediction tools. Has been previously described in individuals with ACVRL1-related disorders (PMID: 15024723, 18498373, 15712270, 16429404, 18673552). Is reported in the gnomAD v4 database with a frequency of 0.001% in the South Asian subpopulation (dbSNP rs1131691686). Has been demonstrated by functional analysis to create a dominant negative effect on gene product function (PMID: 26176610). ClinVar contains an entry for this variant (Variation ID: 429940). Collectively, this evidence indicates that this variant is likely pathogenic.

Ambry Genetics
Classification: Pathogenic for Cardiovascular phenotype. Last evaluated: 2025-01-16. Review status: criteria provided, single submitter. Criteria: Ambry Variant Classification Scheme 2023. Collection method: clinical testing. Allele origin: germline.
Comment: The p.E379K pathogenic mutation (also known as c.1135G>A), located in coding exon 7 of the ACVRL1 gene, results from a G to A substitution at nucleotide position 1135. The glutamic acid at codon 379 is replaced by lysine, an amino acid with similar properties. This variant was reported in individual(s) with features consistent with hereditary hemorrhagic telangiectasia (HHT) and pulmonary arterial hypertension, and segregated with disease in at least one family (Lesca G et al. Hum. Mutat., 2004 Apr;23:289-99; Lenato GM et al. Hum. Mutat., 2006 Feb;27:213-4; Wang XJ et al. Eur Respir J, 2019 03;53; Zhao Y et al. Mol Genet Genomic Med, 2019 09;7:e893). In an assay testing ACVRL1 function, this variant showed a functionally abnormal result (Alaa El Din F et al. PLoS ONE, 2015 Jul;10:e0132111). This amino acid position is highly conserved in available vertebrate species. In addition, this alteration is predicted to be deleterious by in silico analysis. Based on the supporting evidence, this alteration is interpreted as a disease-causing mutation.

ARUP Laboratories, Molecular Genetics and Genomics, ARUP Laboratories
Classification: Pathogenic for Telangiectasia, hereditary hemorrhagic, type 2. Last evaluated: 2025-01-06. Review status: criteria provided, single submitter. Criteria: ARUP Molecular Germline Variant Investigation Process 2024. Collection method: clinical testing. Allele origin: germline.
Comment: The ACVRL1 c.1135G>A; p.Glu379Lys variant (rs1131691686, ClinVar Variation ID: 429940) has been reported in multiple unrelated individuals diagnosed with hereditary hemorrhagic telangiectasia (Brakensiek 2008, Fontalba 2008, Kuehl 2005, Lenato 2006, Lesca 2004, Nishida 2012). In functional assays, this variant exhibits a decreased BMP9 response and inability to properly localize to the cell surface (Alaa El Din 2015). This variant is found on only two chromosomes (2/251236 alleles) in the Genome Aggregation Database (v2.1.1), indicating it is not a common polymorphism. Computational analyses predict that this variant is deleterious (REVEL: 0.969). Based on the above information, this variant is considered pathogenic. References: Alaa El Din F et al. Functional and splicing defect analysis of 23 ACVRL1 mutations in a cohort of patients affected by Hereditary Hemorrhagic Telangiectasia. PLoS One. 2015 Jul 15;10(7):e0132111. PMID: 26176610. Brakensiek K et al. Detection of a significant association between mutations in the ACVRL1 gene and hepatic involvement in German patients with hereditary haemorrhagic telangiectasia. Clin Genet. 2008 Aug;74(2):171-7. PMID: 18498373. Fontalba A et al. Mutation study of Spanish patients with hereditary hemorrhagic telangiectasia. BMC Med Genet. 2008 Aug 1;9:75. PMID: 18673552. Kuehl HK et al. Hepatic manifestation is associated with ALK1 in hereditary hemorrhagic telangiectasia: identification of five novel ALK1 and one novel ENG mutations. Hum Mutat. 2005 Mar;25(3):320. PMID: 15712270. Lenato GM et al. DHPLC-based mutation analysis of ENG and ALK-1 genes in HHT Italian population. Hum Mutat. 2006 Feb;27(2):213-4. PMID: 16429404. Lesca G et al. Molecular screening of ALK1/ACVRL1 and ENG genes in hereditary hemorrhagic telangiectasia in France. Hum Mutat. 2004 Apr;23(4):289-99. PMID: 15024723. Nishida T et al. Brain arteriovenous malformations associated with hereditary hemorrhagic telangiectasia: gene-phenotype correlations. Am J Med Genet A. 2012 Nov;158A(11):2829-34. PMID: 22991266.

Mayo Clinic Laboratories, Mayo Clinic
Classification: Pathogenic. Last evaluated: 2024-11-19. Review status: criteria provided, single submitter. Criteria: ACMG Guidelines, 2015. Collection method: clinical testing. Allele origin: germline. Observed: 4 variant alleles.
Comment: PP3, PM2_supporting, PS3, PS4

Laboratory for Molecular Medicine, Mass General Brigham Personalized Medicine
Classification: Likely pathogenic for Hereditary hemorrhagic telangiectasia. Last evaluated: 2024-04-12. Review status: criteria provided, single submitter. Criteria: ACMG Guidelines, 2015. Collection method: clinical testing. Allele origin: germline. Inheritance: Autosomal dominant inheritance.
Comment: The p.Glu379Lys variant in ACVRL1 has been reported in >5 individuals with hereditary hemorrhagic telangiectasia (HHT; Lesca 2004 PMID: 15024723, Kuehl 2005 PMID: 15712270, Lenato 2006 PMID: 16429404). It has also been identified in 0.001% (1/69794) of South Asian chromosomes by gnomAD and has been reported in ClinVar (Variation ID 429940). Computational prediction tools and conservation analyses support that this variant may impact the protein. In vitro functional studies provide some evidence that this variant impacts protein function (Alaa El Din 2015 PMID: 26176610); however, these types of assays may not accurately represent biological function. Additionally, the number of ACVRL1 missense variants in the general population is lower than expected (Z=3.18), providing some evidence that this variant may not be tolerated. In summary, although additional studies are required to fully establish its clinical significance, this variant meets criteria to be classified as likely pathogenic for autosomal dominant HHT. ACMG/AMP Criteria applied: PS4, PP2, PP3, PM2_supporting, PS3_supporting.

Clinical Genetics Laboratory, Skane University Hospital Lund
Classification: Pathogenic. Last evaluated: 2022-05-27. Review status: criteria provided, single submitter. Criteria: ACMG Guidelines, 2015. Collection method: clinical testing. Allele origin: germline. Affected: yes.

Blueprint Genetics
Classification: Pathogenic for ACVRL1-related disorders. Last evaluated: 2019-09-06. Review status: criteria provided, single submitter. Criteria: ACMG Guidelines, 2015. Collection method: clinical testing. Allele origin: germline. Affected: yes. Observed: 4 variant alleles.

Institute of Human Genetics, University of Leipzig Medical Center
Classification: Pathogenic for Telangiectasia, hereditary hemorrhagic, type 2. Last evaluated: 2018-07-18. Review status: criteria provided, single submitter. Criteria: ACMG Guidelines, 2015. Collection method: clinical testing. Allele origin: germline. Affected: yes. Observed: 1 variant allele.

Literature cited by the submitters: PubMed 15024723 (cited by 4 submitters); PubMed 15712270 (cited by 4 submitters); PubMed 16429404 (cited by 4 submitters); PubMed 18498373 (cited by 3 submitters); PubMed 22991266 (cited by Labcorp Genetics (formerly Invitae), Labcorp and Ambry Genetics); PubMed 24603890 (cited by Labcorp Genetics (formerly Invitae), Labcorp and Ambry Genetics); PubMed 26176610 (cited by 4 submitters); PubMed 18673552 (cited by Ambry Genetics and Mayo Clinic Laboratories, Mayo Clinic); PubMed 23535011 (cited by Ambry Genetics); PubMed 30578397 (cited by Ambry Genetics and Mayo Clinic Laboratories, Mayo Clinic); PubMed 31400083 (cited by Ambry Genetics); PubMed 15521985 (cited by Mayo Clinic Laboratories, Mayo Clinic); PubMed 32300199 (cited by Mayo Clinic Laboratories, Mayo Clinic); PubMed 32503579 (cited by Mayo Clinic Laboratories, Mayo Clinic).